The following is an entry in ClinVar:

NM_013275.6(ANKRD11):c.7525G>A (p.Glu2509Lys)

Gene: ANKRD11 (ankyrin repeat domain 11; minus strand). Cytogenetic location: 16q24.3.
Variant type: single nucleotide variant.
Coding change: c.7525G>A on transcript NM_013275.6 (MANE Select); coding-DNA position 7525, G replaced by A.
Protein change: p.Glu2509Lys; replaces glutamic acid 2509 with lysine.
Molecular consequence: missense variant.
Genome position (GRCh38, 1-based): chr16:89,275,137, C>T on the plus strand (G>A on the coding strand, the complement: ANKRD11 is on the minus strand). VCF-style: chr16-89275137-C-T. GRCh37 (hg19) VCF-style: chr16-89341545-C-T.
Other names: c.7525G>A, p.Glu2509Lys (NM_001256182.2, NM_001256183.2); short protein forms E2509K.
Identifiers: ClinVar variation 4854583 (VCV004854583.1).

ClinVar aggregate classification (germline): Uncertain significance (1 of 4 stars; one submission).

Conditions:
KBG syndrome (KBGS). Also called: ANKRD11-Related KBG Syndrome. Identifiers: Orphanet 2332, MedGen C0220687, MONDO:0007846, OMIM 148050.

Submission:

3billion
Classification: Uncertain significance for KBG syndrome. Last evaluated: 2026-01-23. Review status: criteria provided, single submitter. Criteria: ACMG Guidelines, 2015. Collection method: clinical testing. Allele origin: germline. Affected: yes.
Comment: The variant is not observed in the gnomAD v4.1.0 dataset. Predicted Consequence/Location: Missense variant In silico tool predictions suggest damaging effect of the variant on gene or gene product [3Cnet: 0.98 (> 0.75, sensitivity 0.96 and precision 0.92)]. Different missense changes at the same codon have been reported as of uncertain significance (ClinVar ID: VCV001714581). Therefore, this variant is classified as VUS according to the recommendation of ACMG/AMP guideline.